The following is an entry in ClinVar:

NM_000043.6(FAS):c.506-1G>C

Gene: FAS (Fas cell surface death receptor; plus strand). Cytogenetic location: 10q23.31.
Variant type: single nucleotide variant.
Coding change: c.506-1G>C on transcript NM_000043.6 (MANE Select); the canonical splice acceptor site of the intron before coding-DNA position 506, G replaced by C.
Molecular consequence: splice acceptor variant. On other transcripts: intron variant (1).
Genome position (GRCh38, 1-based): chr10:89,010,752, G>C. VCF-style: chr10-89010752-G-C. GRCh37 (hg19) VCF-style: chr10-90770509-G-C.
Other names: c.506-1G>C (NM_152872.4, NM_001320619.2); c.505+152G>C (NM_152871.4); c.551-1G>C (NM_001410956.1).
Identifiers: ClinVar variation 2136914 (VCV002136914.4), dbSNP rs2495160136, ClinGen allele CA377509058.
Genomic context (GRCh38, chr10:89,010,752, plus strand): 5'-CTTTATTTAATCTTAAAGATTGCTTATTTTCATATAAAATGTCCAATGTTCCAACCTACA[G>C]GATCCAGATCTAACTTGGGGTGGCTTTGTCTTCTTCTTTTGCCAATTCCACTAATTGTTT-3'

ClinVar aggregate classification (germline): Pathogenic (1 of 4 stars; one submission).

Conditions:
Autoimmune lymphoproliferative syndrome type 1. Also called: AUTOIMMUNE LYMPHOPROLIFERATIVE SYNDROME, TYPE I, AUTOSOMAL DOMINANT. Identifiers: Orphanet 3261, MedGen C2717884, MONDO:0011158, OMIM 601859.

Submission:

Labcorp Genetics (formerly Invitae), Labcorp
Classification: Pathogenic for Autoimmune lymphoproliferative syndrome. Last evaluated: 2022-07-02. Review status: criteria provided, single submitter. Criteria: Invitae Variant Classification Sherloc (09022015). Collection method: clinical testing. Allele origin: germline.
Comment: Algorithms developed to predict the effect of sequence changes on RNA splicing suggest that this variant may disrupt the consensus splice site. For these reasons, this variant has been classified as Pathogenic. Disruption of this splice site has been observed in individual(s) with autoimmune lymphoproliferative syndrome (PMID: 18948840). This variant is not present in population databases (gnomAD no frequency). This sequence change affects an acceptor splice site in intron 5 of the FAS gene. It is expected to disrupt RNA splicing. Variants that disrupt the donor or acceptor splice site typically lead to a loss of protein function (PMID: 16199547), and loss-of-function variants in FAS are known to be pathogenic (PMID: 10875918, 22237435).

Literature cited by the submitters: PubMed 18948840; PubMed 16199547; PubMed 10875918; PubMed 22237435.